The following is an entry in ClinVar:

NM_182758.4(WDR72):c.*3689A>G

Gene: WDR72 (WD repeat domain 72; minus strand). Cytogenetic location: 15q21.3.
Variant type: single nucleotide variant.
Coding change: c.*3689A>G on transcript NM_182758.4 (MANE Select); 3689 bases downstream of the stop codon, A replaced by G.
Molecular consequence: 3 prime UTR variant. On other transcripts: non-coding transcript variant (3).
Genome position (GRCh38, 1-based): chr15:53,514,010, T>C on the plus strand (A>G on the coding strand, the complement: WDR72 is on the minus strand). VCF-style: chr15-53514010-T-C. GRCh37 (hg19) VCF-style: chr15-53806207-T-C.
Other names: c.*3689A>G (NM_001277176.2).
Identifiers: ClinVar variation 316488 (VCV000316488.5), dbSNP rs74871423, ClinGen allele CA10636195.
Genomic context (GRCh38, chr15:53,514,010, plus strand): 5'-TTACAGACAGACCTGTTAATTTCCAGTTTACCTTCTCCTACCTGCCATCTGTAGGCTCCT[T>C]CTTGAGCAAACTACAGTGCGAGGTGATCTGGGGACTATTGTACATGAAGCCATGCAGCTT-3'

ClinVar aggregate classification (germline): Likely benign (1 of 4 stars; one submission).

Conditions:
Amelogenesis imperfecta hypomaturation type 2A3. Also called: Amelogenesis imperfecta, type IIA3. Identifiers: Orphanet 88661, MedGen C2750771, MONDO:0013181, OMIM 613211. Disease mechanism: loss of function.

Allele frequency attached by ClinVar (database versions not stated): gnomAD 0.00094 and 0.00148; TOPMed 0.00175; 1000 Genomes Project 30x 0.00562; 1000 Genomes Project 0.00619.

Submission:

Illumina Laboratory Services, Illumina
Classification: Likely benign for Amelogenesis imperfecta hypomaturation type 2A3. Last evaluated: 2018-01-13. Review status: criteria provided, single submitter. Criteria: ICSL Variant Classification Criteria 13 December 2019. Collection method: clinical testing. Allele origin: germline.
Comment: This variant was observed in the ICSL laboratory as part of a predisposition screen in an ostensibly healthy population. It had not been previously curated by ICSL or reported in the Human Gene Mutation Database (HGMD: prior to June 1st, 2018), and was therefore a candidate for classification through an automated scoring system. Utilizing variant allele frequency, disease prevalence and penetrance estimates, and inheritance mode, an automated score was calculated to assess if this variant is too frequent to cause the disease. Based on the score and internal cut-off values, a variant classified as likely benign is not then subjected to further curation. The score for this variant resulted in a classification of likely benign for this disease.